The following is an entry in ClinVar:

NM_175875.5(SIX5):c.945C>G (p.Cys315Trp)

Genes: SIX5 (SIX homeobox 5; minus strand), LOC107075317 (origin of replication in DMPK trinucleotide repeat region; plus strand). Cytogenetic location: 19q13.32.
Variant type: single nucleotide variant.
Coding change: c.945C>G on transcript NM_175875.5 (MANE Select); coding-DNA position 945, C replaced by G.
Protein change: p.Cys315Trp; replaces cysteine 315 with tryptophan.
Molecular consequence: missense variant.
Genome position (GRCh38, 1-based): chr19:45,767,014, G>C on the plus strand (C>G on the coding strand, the complement: SIX5 is on the minus strand). VCF-style: chr19-45767014-G-C. GRCh37 (hg19) VCF-style: chr19-46270272-G-C.
Other names: c.945C>G (NM_175875.4); short protein forms C315W.
Identifiers: ClinVar variation 1049684 (VCV001049684.3), dbSNP rs1444936221, ClinGen allele CA406420877.
Genomic context (GRCh38, chr19:45,767,014, plus strand): 5'-TGCTGGGGAGCCGCTGGCTGCCAGGAAGCTCCCGTTCACCAGGATGGAGGAGGAAGCCGG[G>C]CAAGGCGCGGGAGGGCCGGTCCCTGCCAGGAATATGGAGCCCTGGGCAGCGGCCTCGGCG-3'
Protein context (NP_787071.3, residues 305-325): FLAGTGPPAP[Cys315Trp]PASSSILVNG

ClinVar aggregate classification (germline): Uncertain significance. Review status: criteria provided, multiple submitters, no conflicts (2 of 4 stars). 3 submissions from 3 submitters: Uncertain significance (2). 1 of the submissions does not count toward it. Last evaluated 2025-05-04.

Conditions:
Branchiootorenal syndrome 2 (BOR2). Identifiers: Orphanet 107, MedGen C1970479, MONDO:0012575, OMIM 610896.

Allele frequency attached by ClinVar (database versions not stated): gnomAD exomes below 0.00001; gnomAD 0.00001.
gnomAD v4.1: 2 of 1,607,476 alleles (0.00012%); highest among the groups gnomAD compares: Admixed American, 0.0034%; no homozygotes.

Submissions (3):

Ambry Genetics
Classification: Uncertain significance. Last evaluated: 2025-05-04. Review status: criteria provided, single submitter. Criteria: Ambry Variant Classification Scheme 2023. Collection method: clinical testing. Allele origin: germline.

Fulgent Genetics
Classification: Uncertain significance for Branchiootorenal syndrome 2. Last evaluated: 2022-01-25. Review status: criteria provided, single submitter. Criteria: ACMG Guidelines, 2015. Collection method: clinical testing. Allele origin: unknown.

Department of Pathology and Laboratory Medicine, Sinai Health System
Classification: Uncertain significance. Review status: no assertion criteria provided. Collection method: clinical testing. Allele origin: unknown. Affected: yes. Study: The Canadian Open Genetics Repository (COGR). Not counted in ClinVar's aggregate classification.
Comment: The SIX5 p.C315W variant was not identified in the literature nor was it identified in ClinVar. The variant was identified in dbSNP (ID: rs1444936221) and in control databases in 1 of 231966 chromosomes at a frequency of 0.000004311 (Genome Aggregation Database March 6, 2019, v2.1.1). The p.C315 residue is conserved in mammals and computational analyses (MUT Assesor, PolyPhen-2, SIFT, MutationTaster, Revel, FATHMM, MetaLR, DANN) provide inconsistent predictions regarding the impact to the protein; this information is not very predictive of pathogenicity. The variant occurs outside of the splicing consensus sequence and in silico or computational prediction software programs (Splice AI exome) do not predict a difference in splicing. In summary, based on the above information the clinical significance of this variant cannot be determined with certainty at this time. This variant is classified as a variant of uncertain significance.